The following is an entry in ClinVar:

NM_138576.4(BCL11B):c.686C>A (p.Pro229His)

Gene: BCL11B (BCL11 transcription factor B; minus strand). Cytogenetic location: 14q32.2.
Variant type: single nucleotide variant.
Coding change: c.686C>A on transcript NM_138576.4 (MANE Select); coding-DNA position 686, C replaced by A.
Protein change: p.Pro229His; replaces proline 229 with histidine.
Molecular consequence: missense variant.
Genome position (GRCh38, 1-based): chr14:99,176,150, G>T on the plus strand (C>A on the coding strand, the complement: BCL11B is on the minus strand). VCF-style: chr14-99176150-G-T. GRCh37 (hg19) VCF-style: chr14-99642487-G-T.
Other names: c.683C>A, p.Pro228His (NM_001282237.2); c.470C>A, p.Pro157His (NM_001282238.2); c.473C>A, p.Pro158His (NM_022898.3); short protein forms P158H, P228H, P157H, P229H.
Identifiers: ClinVar variation 4595839 (VCV004595839.1).

ClinVar aggregate classification (germline): Uncertain significance (1 of 4 stars; one submission).

Conditions:
Inborn genetic diseases. Identifiers: MedGen C0950123, MeSH D030342.

gnomAD v4.1: 1 of 1,612,462 alleles (0.000062%); highest among the groups gnomAD compares: Non-Finnish European, 0.000085%; no homozygotes.

Submission:

Ambry Genetics
Classification: Uncertain significance for Inborn genetic diseases. Last evaluated: 2025-10-02. Review status: criteria provided, single submitter. Criteria: Ambry Variant Classification Scheme 2023. Collection method: clinical testing. Allele origin: germline.
Comment: The c.686C>A (p.P229H) alteration is located in exon 4 (coding exon 4) of the BCL11B gene. This alteration results from a C to A substitution at nucleotide position 686, causing the proline (P) at amino acid position 229 to be replaced by a histidine (H). Based on data from gnomAD, the A allele has an overall frequency of <0.001% (1/248244) total alleles studied. The highest observed frequency was 0.001% (1/111912) of European (non-Finnish) alleles. Based on insufficient or conflicting evidence, the clinical significance of this alteration remains unclear.